The following is an entry in ClinVar:

ClinVar aggregate classification (germline): Uncertain significance. Review status: criteria provided, multiple submitters, no conflicts (2 of 4 stars). 2 submissions from 2 submitters: Uncertain significance (2). Last evaluated 2026-03-16.

Conditions:
Cardiovascular phenotype. Identifiers: MedGen CN230736.

Allele frequency attached by ClinVar (database versions not stated): TOPMed below 0.00001.

Submissions (2):

Women's Health and Genetics/Laboratory Corporation of America, LabCorp
Classification: Uncertain significance. Last evaluated: 2026-03-16. Review status: criteria provided, single submitter. Criteria: LabCorp Variant Classification Summary - May 2015. Collection method: clinical testing. Allele origin: germline.
Comment: Variant summary: TNXB c.8366T>C (p.Val2789Ala) results in a non-conservative amino acid change in the encoded protein sequence. Algorithms developed to predict the effect of missense changes on protein structure and function are either unavailable or do not agree on the potential impact of this missense change. The variant was absent in 246964 control chromosomes. The available data on variant occurrences in the general population are insufficient to allow any conclusion about variant significance. To our knowledge, no occurrence of c.8366T>C in individuals affected with TNXB-related conditions and no experimental evidence demonstrating its impact on protein function have been reported. ClinVar contains an entry for this variant (Variation ID: 2586114). Based on the evidence outlined above, the variant was classified as uncertain significance.

Ambry Genetics
Classification: Uncertain significance for Cardiovascular phenotype. Last evaluated: 2024-10-03. Review status: criteria provided, single submitter. Criteria: Ambry Variant Classification Scheme 2023. Collection method: clinical testing. Allele origin: germline.

NM_001365276.2(TNXB):c.8366T>C (p.Val2789Ala)

Gene: TNXB (tenascin XB; minus strand). Cytogenetic location: 6p21.33.
Variant type: single nucleotide variant.
Coding change: c.8366T>C on transcript NM_001365276.2 (MANE Select); coding-DNA position 8366, T replaced by C.
Protein change: p.Val2789Ala; replaces valine 2789 with alanine.
Molecular consequence: missense variant.
Genome position (GRCh38, 1-based): chr6:32,055,952, A>G on the plus strand (T>C on the coding strand, the complement: TNXB is on the minus strand). VCF-style: chr6-32055952-A-G. GRCh37 (hg19) VCF-style: chr6-32023729-A-G.
Other names: c.8366T>C, p.Val2789Ala (NM_019105.8); short protein forms V2789A.
Identifiers: ClinVar variation 2586114 (VCV002586114.4), dbSNP rs1777602578, ClinGen allele CA363549177.
Genomic context (GRCh38, chr6:32,055,952, plus strand): 5'-TCGTGGAGGCCGTACAGGTGCATCTTGTATTTGCGCCCGGGCTCCAGGCCCCCCACGGTG[A>G]CCTCGCTCTCCTCGCCCCTGACACGCATCACCTGGGGCCGCCCGTCCCTGTCCTTGTACT-3'
Protein context (NP_001352205.1, residues 2779-2799): VMRVRGEESE[Val2789Ala]TVGGLEPGRK